The following is an entry in ClinVar:

ClinVar aggregate classification (germline): Conflicting classifications of pathogenicity. Review status: criteria provided, conflicting classifications (1 of 4 stars). 4 submissions from 4 submitters: Uncertain significance (2); Likely benign (2). Last evaluated 2025-12-08.

Conditions:
Cardiomyopathy (CMYO). Also called: Cardiomyopathies. Identifiers: Orphanet 167848, MedGen C0878544, MONDO:0004994, HP:0001638. Inheritance: Various modes of inheritance.
Catecholaminergic polymorphic ventricular tachycardia (CVPT). Also called: Catecholamine-induced polymorphic ventricular tachycardia. Identifiers: Orphanet 3286, MedGen C5574922, MONDO:0017990.
Cardiovascular phenotype. Identifiers: MedGen CN230736.
Catecholaminergic polymorphic ventricular tachycardia 1. Also called: RYR2-Related Catecholaminergic Polymorphic Ventricular Tachycardia; VENTRICULAR TACHYCARDIA, CATECHOLAMINERGIC POLYMORPHIC, 1, WITH OR WITHOUT ATRIAL DYSFUNCTION AND/OR DILATED CARDIOMYOPATHY; VENTRICULAR TACHYCARDIA, STRESS-INDUCED POLYMORPHIC 1. Identifiers: Orphanet 3286, MedGen C1631597, MONDO:0011484, OMIM 604772.

Allele frequency attached by ClinVar (database versions not stated): gnomAD exomes below 0.00001 and 0.00001; ExAC 0.00002; gnomAD 0.00002; 1000 Genomes Project 30x 0.00016; 1000 Genomes Project 0.00020.
gnomAD v4.1: 9 of 1,613,894 alleles (0.00056%); highest among the groups gnomAD compares: East Asian, 0.016%; no homozygotes.

Submissions (4):

Labcorp Genetics (formerly Invitae), Labcorp
Classification: Likely benign for Catecholaminergic polymorphic ventricular tachycardia 1. Last evaluated: 2025-12-08. Review status: criteria provided, single submitter. Criteria: Invitae Variant Classification Sherloc (09022015). Collection method: clinical testing. Allele origin: germline.

Color Diagnostics, LLC DBA Color Health
Classification: Likely benign for Cardiomyopathy. Last evaluated: 2025-11-21. Review status: criteria provided, single submitter. Criteria: ACMG Guidelines, 2015. Collection method: clinical testing. Allele origin: germline.

Ambry Genetics
Classification: Uncertain significance for Cardiovascular phenotype. Last evaluated: 2024-06-11. Review status: criteria provided, single submitter. Criteria: Ambry Variant Classification Scheme 2023. Collection method: clinical testing. Allele origin: germline.
Comment: The p.T1366N variant (also known as c.4097C>A), located in coding exon 31 of the RYR2 gene, results from a C to A substitution at nucleotide position 4097. The threonine at codon 1366 is replaced by asparagine, an amino acid with similar properties. This amino acid position is not well conserved in available vertebrate species. In addition, this alteration is predicted to be tolerated by in silico analysis. Since supporting evidence is limited at this time, the clinical significance of this alteration remains unclear.

All of Us Research Program, National Institutes of Health
Classification: Uncertain significance for Catecholaminergic polymorphic ventricular tachycardia. Last evaluated: 2023-12-01. Review status: criteria provided, single submitter. Criteria: ACMG Guidelines, 2015. Collection method: clinical testing. Allele origin: germline. Inheritance: Autosomal dominant inheritance. Observed: 5 variant alleles, 5 heterozygotes.
Comment: This missense variant replaces threonine with asparagine at codon 1366 of the RYR2 protein. Computational prediction suggests that this variant may not impact protein structure and function (internally defined REVEL score threshold <= 0.5, PMID: 27666373). To our knowledge, functional studies have not been reported for this variant. This variant has not been reported in individuals affected with cardiovascular disorders in the literature. This variant has been identified in 2/248034 chromosomes in the general population by the Genome Aggregation Database (gnomAD). The available evidence is insufficient to determine the role of this variant in disease conclusively. Therefore, this variant is classified as a Variant of Uncertain Significance.

This study involves interpretation of variants in research participants for the purpose of population health screening. Participant phenotype was not available at the time of variant classification. Additional details can be found in publication PMID: 35346344, PMCID: PMC8962531

NM_001035.3(RYR2):c.4097C>A (p.Thr1366Asn)

Genes: RYR2 (ryanodine receptor 2; plus strand), LOC126806067 (BRD4-independent group 4 enhancer GRCh37_chr1:237753258-237754457; plus strand). Cytogenetic location: 1q43.
Variant type: single nucleotide variant.
Coding change: c.4097C>A on transcript NM_001035.3 (MANE Select); coding-DNA position 4097, C replaced by A.
Protein change: p.Thr1366Asn; replaces threonine 1366 with asparagine.
Molecular consequence: missense variant.
Genome position (GRCh38, 1-based): chr1:237,590,929, C>A. VCF-style: chr1-237590929-C-A. GRCh37 (hg19) VCF-style: chr1-237754229-C-A.
Other names: c.4097C>A, p.Thr1366Asn (LRG_402t1); short protein forms T1366N.
Identifiers: ClinVar variation 565528 (VCV000565528.18), dbSNP rs531412940, ClinGen allele CA086531.